The following is an entry in ClinVar:

NM_002769.5(PRSS1):c.725C>G (p.Thr242Ser)

Genes: TRB (T cell receptor beta locus; plus strand), PRSS1 (serine protease 1; plus strand). Cytogenetic location: 7q34.
Variant type: single nucleotide variant.
Coding change: c.725C>G on transcript NM_002769.5 (MANE Select); coding-DNA position 725, C replaced by G.
Protein change: p.Thr242Ser; replaces threonine 242 with serine.
Molecular consequence: missense variant. On other transcripts: non-coding transcript variant (5).
Genome position (GRCh38, 1-based): chr7:142,753,001, C>G. VCF-style: chr7-142753001-C-G. GRCh37 (hg19) VCF-style: chr7-142460852-C-G.
Other names: short protein forms T242S.
Identifiers: ClinVar variation 1757952 (VCV001757952.2), dbSNP rs2485770081, ClinGen allele CA369611087.

ClinVar aggregate classification (germline): Uncertain significance (1 of 4 stars; one submission).

Conditions:
Hereditary pancreatitis (PCTT). Also called: Hereditary chronic pancreatitis; PRSS1-Related Hereditary Pancreatitis. Identifiers: Orphanet 676, MedGen C0238339, MONDO:0008185, OMIM 167800.

gnomAD v4.1: 3 of 1,613,702 alleles (0.00019%); highest among the groups gnomAD compares: Non-Finnish European, 0.00025%; no homozygotes.

Submission:

Ambry Genetics
Classification: Uncertain significance for Hereditary pancreatitis. Last evaluated: 2022-01-29. Review status: criteria provided, single submitter. Criteria: Ambry Variant Classification Scheme 2023. Collection method: clinical testing. Allele origin: germline.
Comment: The p.T242S variant (also known as c.725C>G), located in coding exon 5 of the PRSS1 gene, results from a C to G substitution at nucleotide position 725. The threonine at codon 242 is replaced by serine, an amino acid with similar properties. This amino acid position is conserved. In addition, the in silico prediction for this alteration is inconclusive. Since supporting evidence is limited at this time, the clinical significance of this alteration remains unclear.